The following is an entry in ClinVar:

ClinVar aggregate classification (germline): Conflicting classifications of pathogenicity. Review status: criteria provided, conflicting classifications (1 of 4 stars). 3 submissions from 3 submitters: Uncertain significance (1); Likely benign (2). Last evaluated 2024-10-16.

Conditions:
Inborn genetic diseases. Identifiers: MedGen C0950123, MeSH D030342.
Alpha thalassemia-X-linked intellectual disability syndrome (ATRX). Also called: X-linked alpha-thalassemia-mental retardation syndrome; ALPHA-THALASSEMIA/IMPAIRED INTELLECTUAL DEVELOPMENT SYNDROME, X-LINKED; ALPHA-THALASSEMIA/MENTAL RETARDATION SYNDROME, X-LINKED; ATR, NONDELETION TYPE; ATR-X syndrome; Alpha thalassemia mental retardation syndrome, nondeletion type, X-linked. Identifiers: Orphanet 847, MedGen C1845055, MONDO:0010519, OMIM 301040.

Submissions (3):

Labcorp Genetics (formerly Invitae), Labcorp
Classification: Uncertain significance for Alpha thalassemia-X-linked intellectual disability syndrome. Last evaluated: 2024-10-16. Review status: criteria provided, single submitter. Criteria: Invitae Variant Classification Sherloc (09022015). Collection method: clinical testing. Allele origin: germline.
Comment: This variant, c.4341_4343del, results in the deletion of 1 amino acid(s) of the ATRX protein (p.Glu1448del), but otherwise preserves the integrity of the reading frame. The frequency data for this variant in the population databases is considered unreliable, as metrics indicate poor data quality at this position in the gnomAD database. This variant has not been reported in the literature in individuals affected with ATRX-related conditions. Experimental studies and prediction algorithms are not available or were not evaluated, and the functional significance of this variant is currently unknown. In summary, the available evidence is currently insufficient to determine the role of this variant in disease. Therefore, it has been classified as a Variant of Uncertain Significance.

GeneDx
Classification: Likely benign. Last evaluated: 2020-03-25. Review status: criteria provided, single submitter. Criteria: GeneDx Variant Classification Process June 2021. Collection method: clinical testing. Allele origin: germline. Affected: yes.

Ambry Genetics
Classification: Likely benign for Inborn genetic diseases. Last evaluated: 2019-11-21. Review status: criteria provided, single submitter. Criteria: Ambry Variant Classification Scheme 2023. Collection method: clinical testing. Allele origin: germline.

NM_000489.6(ATRX):c.4338GGA[1] (p.Glu1448del)

Gene: ATRX (ATRX chromatin remodeler; minus strand). Cytogenetic location: Xq21.1.
Variant type: Microsatellite.
Coding change: c.4338GGA[1] on transcript NM_000489.6 (MANE Select); one copy of the 3-base unit GGA starting at c.4338; the reference has two copies in a row; one copy, 3 bases deleted.
Protein change: p.Glu1448del; deletes glutamic acid 1448.
Molecular consequence: inframe deletion.
Genome position (GRCh38, 1-based): chrX:77,652,328-77,652,330, TCC deleted on the plus strand (GGA on the coding strand, the reverse complement: ATRX is on the minus strand); deleting any 3 consecutive bases within chrX:77,652,328-77,652,335 gives the same sequence; the position shown is the placement nearest the transcript's 3' end. VCF-style (leftmost placement, unchanged base first): chrX-77652327-TTCC-T. GRCh37 (hg19) VCF-style: chrX-76907817-TTCC-T.
Other names: c.4341_4343delGGA (NM_000489.3); c.4224GGA[1], p.Glu1410del (NM_138270.5); short protein forms E1410del, E1448del.
Identifiers: ClinVar variation 1526344 (VCV001526344.6), dbSNP rs782410402, ClinGen allele CA10457804.